The following is an entry in ClinVar:

NM_024642.5(GALNT12):c.838G>A (p.Asp280Asn)

Gene: GALNT12 (polypeptide N-acetylgalactosaminyltransferase 12; plus strand). Cytogenetic location: 9q22.33.
Variant type: single nucleotide variant.
Coding change: c.838G>A on transcript NM_024642.5 (MANE Select); coding-DNA position 838, G replaced by A.
Protein change: p.Asp280Asn; replaces aspartic acid 280 with asparagine.
Molecular consequence: missense variant.
Genome position (GRCh38, 1-based): chr9:98,831,878, G>A. VCF-style: chr9-98831878-G-A. GRCh37 (hg19) VCF-style: chr9-101594160-G-A.
Other names: short protein forms D280N.
Identifiers: ClinVar variation 410587 (VCV000410587.16), dbSNP rs748104709, ClinGen allele CA5154073.

ClinVar aggregate classification (germline): Uncertain significance. Review status: criteria provided, multiple submitters, no conflicts (2 of 4 stars). 4 submissions from 4 submitters: Uncertain significance (4). Last evaluated 2025-09-07.

Conditions:
Colorectal cancer, susceptibility to, 1. Also called: COLORECTAL ADENOMA AND CANCER, SUSCEPTIBILITY TO; COLORECTAL CANCER, SUSCEPTIBILITY TO, ON CHROMOSOME 9. Identifiers: MedGen C1837315, MONDO:0012132, OMIM 608812.

Allele frequency attached by ClinVar (database versions not stated): TOPMed 0.00007.
gnomAD v4.1: 98 of 1,614,010 alleles (0.0061%); highest among the groups gnomAD compares: Middle Eastern, 0.016%; no homozygotes.

Submissions (4):

Ambry Genetics
Classification: Uncertain significance. Last evaluated: 2025-09-07. Review status: criteria provided, single submitter. Criteria: Ambry Variant Classification Scheme 2023. Collection method: clinical testing. Allele origin: germline.
Comment: The p.D280N variant (also known as c.838G>A), located in coding exon 4 of the GALNT12 gene, results from a G to A substitution at nucleotide position 838. The aspartic acid at codon 280 is replaced by asparagine, an amino acid with highly similar properties. This amino acid position is highly conserved in available vertebrate species. In addition, this alteration is predicted to be tolerated by in silico analysis. The evidence for this gene-disease relationship is limited; therefore, the clinical significance of this alteration is unclear.

Quest Diagnostics Nichols Institute San Juan Capistrano
Classification: Uncertain significance. Last evaluated: 2025-07-16. Review status: criteria provided, single submitter. Criteria: Quest Diagnostics criteria. Collection method: clinical testing. Allele origin: unknown.
Comment: The GALNT12 c.838G>A (p.Asp280Asn) variant has not been reported in individuals with GALNT12-related conditions in the published literature. The frequency of this variant in the general population (Genome Aggregation Database) is higher than would generally be expected for pathogenic variants in this gene. Analysis of this variant using bioinformatics tools for the prediction of the effect of amino acid changes on protein structure and function yielded conflicting predictions that this variant is deleterious or benign. Based on the available information, we are unable to determine the clinical significance of this variant.

Labcorp Genetics (formerly Invitae), Labcorp
Classification: Uncertain significance. Last evaluated: 2025-07-14. Review status: criteria provided, single submitter. Criteria: Invitae Variant Classification Sherloc (09022015). Collection method: clinical testing. Allele origin: germline.
Comment: This sequence change replaces aspartic acid, which is acidic and polar, with asparagine, which is neutral and polar, at codon 280 of the GALNT12 protein (p.Asp280Asn). This variant is present in population databases (rs748104709, gnomAD 0.01%). This variant has not been reported in the literature in individuals affected with GALNT12-related conditions. ClinVar contains an entry for this variant (Variation ID: 410587). Invitae Evidence Modeling of protein sequence and biophysical properties (such as structural, functional, and spatial information, amino acid conservation, physicochemical variation, residue mobility, and thermodynamic stability) indicates that this missense variant is not expected to disrupt GALNT12 protein function with a negative predictive value of 80%. In summary, the available evidence is currently insufficient to determine the role of this variant in disease. Therefore, it has been classified as a Variant of Uncertain Significance.

Baylor Genetics
Classification: Uncertain significance for Colorectal cancer, susceptibility to, 1. Last evaluated: 2024-03-19. Review status: criteria provided, single submitter. Criteria: ACMG Guidelines, 2015. Collection method: clinical testing. Allele origin: unknown.